The following is an entry in ClinVar:

ClinVar aggregate classification (germline): Uncertain significance (1 of 4 stars; one submission).

Conditions:
Lethal multiple pterygium syndrome (LMPS). Identifiers: Orphanet 33108, MedGen C1854678, MONDO:0009668, OMIM 253290.

Submission:

Labcorp Genetics (formerly Invitae), Labcorp
Classification: Uncertain significance for Lethal multiple pterygium syndrome. Last evaluated: 2024-07-30. Review status: criteria provided, single submitter. Criteria: Invitae Variant Classification Sherloc (09022015). Collection method: clinical testing. Allele origin: germline.
Comment: This sequence change replaces arginine, which is basic and polar, with lysine, which is basic and polar, at codon 351 of the CHRNA1 protein (p.Arg351Lys). This variant is not present in population databases (gnomAD no frequency). This variant has not been reported in the literature in individuals affected with CHRNA1-related conditions. Advanced modeling of protein sequence and biophysical properties (such as structural, functional, and spatial information, amino acid conservation, physicochemical variation, residue mobility, and thermodynamic stability) performed at Invitae indicates that this missense variant is not expected to disrupt CHRNA1 protein function with a negative predictive value of 80%. In summary, the available evidence is currently insufficient to determine the role of this variant in disease. Therefore, it has been classified as a Variant of Uncertain Significance.

NM_000079.4(CHRNA1):c.1052G>A (p.Arg351Lys)

Gene: CHRNA1 (cholinergic receptor nicotinic alpha 1 subunit; minus strand). Cytogenetic location: 2q31.1.
Variant type: single nucleotide variant.
Coding change: c.1052G>A on transcript NM_000079.4 (MANE Select); coding-DNA position 1052, G replaced by A.
Protein change: p.Arg351Lys; replaces arginine 351 with lysine.
Molecular consequence: missense variant.
Genome position (GRCh38, 1-based): chr2:174,748,770, C>T on the plus strand (G>A on the coding strand, the complement: CHRNA1 is on the minus strand). VCF-style: chr2-174748770-C-T. GRCh37 (hg19) VCF-style: chr2-175613498-C-T.
Other names: c.1127G>A, p.Arg376Lys (NM_001039523.3); short protein forms R351K, R376K.
Identifiers: ClinVar variation 3660874 (VCV003660874.2).